The following is an entry in ClinVar:

ClinVar aggregate classification (germline): Uncertain significance (1 of 4 stars; one submission).

Allele frequency attached by ClinVar (database versions not stated): gnomAD exomes below 0.00001.
gnomAD v4.1: 1 of 1,599,828 alleles (0.000063%); highest among the groups gnomAD compares: Non-Finnish European, 0.000086%; no homozygotes.

Submission:

Ambry Genetics
Classification: Uncertain significance. Last evaluated: 2022-11-05. Review status: criteria provided, single submitter. Criteria: Ambry Variant Classification Scheme 2023. Collection method: clinical testing. Allele origin: germline.
Comment: The p.E83Q variant (also known as c.247G>C), located in coding exon 3 of the PRKDC gene, results from a G to C substitution at nucleotide position 247. The glutamic acid at codon 83 is replaced by glutamine, an amino acid with highly similar properties. This amino acid position is conserved. In addition, this alteration is predicted to be tolerated by in silico analysis. Since supporting evidence is limited at this time, the clinical significance of this alteration remains unclear.

NM_006904.7(PRKDC):c.247G>C (p.Glu83Gln)

Gene: PRKDC (protein kinase, DNA-activated, catalytic subunit; minus strand). Cytogenetic location: 8q11.21.
Variant type: single nucleotide variant.
Coding change: c.247G>C on transcript NM_006904.7 (MANE Select); coding-DNA position 247, G replaced by C.
Protein change: p.Glu83Gln; replaces glutamic acid 83 with glutamine.
Molecular consequence: missense variant.
Genome position (GRCh38, 1-based): chr8:47,957,248, C>G on the plus strand (G>C on the coding strand, the complement: PRKDC is on the minus strand). VCF-style: chr8-47957248-C-G. GRCh37 (hg19) VCF-style: chr8-48869808-C-G.
Other names: c.247G>C, p.Glu83Gln (NM_001081640.2); short protein forms E83Q.
Identifiers: ClinVar variation 2449807 (VCV002449807.2), dbSNP rs2551882339, ClinGen allele CA371141211.